The following is an entry in ClinVar:

ClinVar aggregate classification (germline): Uncertain significance (1 of 4 stars; one submission).

Conditions:
Hereditary cancer-predisposing syndrome. Also called: Hereditary Cancer Syndrome; Hereditary neoplastic syndrome; Neoplastic Syndromes, Hereditary; Tumor predisposition. Identifiers: Orphanet 140162, MedGen C0027672, MeSH D009386, MONDO:0015356.

Submission:

Ambry Genetics
Classification: Uncertain significance for Hereditary cancer-predisposing syndrome. Last evaluated: 2022-09-20. Review status: criteria provided, single submitter. Criteria: Ambry Variant Classification Scheme 2023. Collection method: clinical testing. Allele origin: germline.
Comment: The p.P324R variant (also known as c.971C>G), located in coding exon 10 of the POLE gene, results from a C to G substitution at nucleotide position 971. The proline at codon 324 is replaced by arginine, an amino acid with dissimilar properties. This amino acid position is conserved. In addition, this alteration is predicted to be deleterious by in silico analysis. Since supporting evidence is limited at this time, the clinical significance of this alteration remains unclear.

NM_006231.4(POLE):c.971C>G (p.Pro324Arg)

Gene: POLE (DNA polymerase epsilon, catalytic subunit; minus strand). Cytogenetic location: 12q24.33.
Variant type: single nucleotide variant.
Coding change: c.971C>G on transcript NM_006231.4 (MANE Select); coding-DNA position 971, C replaced by G.
Protein change: p.Pro324Arg; replaces proline 324 with arginine.
Molecular consequence: missense variant.
Genome position (GRCh38, 1-based): chr12:132,676,143, G>C on the plus strand (C>G on the coding strand, the complement: POLE is on the minus strand). VCF-style: chr12-132676143-G-C. GRCh37 (hg19) VCF-style: chr12-133252729-G-C.
Other names: short protein forms P324R.
Identifiers: ClinVar variation 1767967 (VCV001767967.2), dbSNP rs1593078390, ClinGen allele CA387363687.